The following is an entry in ClinVar:

NM_022788.5(P2RY12):c.767G>A (p.Arg256Gln)

Genes: MED12L (mediator complex subunit 12L; plus strand), P2RY12 (purinergic receptor P2Y12; minus strand). Cytogenetic location: 3q25.1.
Variant type: single nucleotide variant.
Coding change: c.767G>A on transcript NM_022788.5 (MANE Select); coding-DNA position 767, G replaced by A.
Protein change: p.Arg256Gln; replaces arginine 256 with glutamine.
Molecular consequence: missense variant. On other transcripts: intron variant (2).
Genome position (GRCh38, 1-based): chr3:151,338,079, C>T on the plus strand (G>A on the coding strand, the complement: P2RY12 is on the minus strand). VCF-style: chr3-151338079-C-T. GRCh37 (hg19) VCF-style: chr3-151055867-C-T.
Other names: P2RY12, ARG256GLN; c.767G>A, p.Arg256Gln (NM_176876.3); c.2251-11980C>T (NM_001393769.1); c.2146-11980C>T (NM_053002.6); short protein forms R256Q.
Identifiers: ClinVar variation 9082 (VCV000009082.5), dbSNP rs121917885, ClinGen allele CA120104.
Genomic context (GRCh38, chr3:151,338,079, plus strand): 5'-AGAGTATTTTCAGCAGTGCAGTCAAAGACATCCCGGGTTTGGCTCAGGGTGTAAGGAATT[C>T]GGGCAAAATGGAAAGGAACAAAACAAATAAAGAATACAGCAATGATAATGAAAACTTTGA-3'
Protein context (NP_073625.1, residues 246-266): FICFVPFHFA[Arg256Gln]IPYTLSQTRD

ClinVar aggregate classification (germline): Uncertain significance. Review status: criteria provided, multiple submitters, no conflicts (2 of 4 stars). 3 submissions from 3 submitters: Uncertain significance (2). 1 of the submissions does not count toward it. Last evaluated 2024-12-14.

Conditions:
Platelet-type bleeding disorder 8 (BDPLT8). Also called: Bleeding disorder due to p2rx1 defect, somatic; BLEEDING DISORDER DUE TO P2RY12 DEFECT. Identifiers: Orphanet 36355, MedGen C1853278, MONDO:0012354, OMIM 609821.

Allele frequency attached by ClinVar (database versions not stated): ExAC 0.00002; gnomAD exomes 0.00002 and 0.00004; TOPMed 0.00002.
gnomAD v4.1: 24 of 1,613,726 alleles (0.0015%); highest among the groups gnomAD compares: Middle Eastern, 0.017%; no homozygotes.

Submissions (3):

Labcorp Genetics (formerly Invitae), Labcorp
Classification: Uncertain significance. Last evaluated: 2024-12-14. Review status: criteria provided, single submitter. Criteria: Invitae Variant Classification Sherloc (09022015). Collection method: clinical testing. Allele origin: germline.
Comment: This sequence change replaces arginine, which is basic and polar, with glutamine, which is neutral and polar, at codon 256 of the P2RY12 protein (p.Arg256Gln). This variant is present in population databases (rs121917885, gnomAD 0.009%). This missense change has been observed in individual(s) with congenital bleeding disorder (PMID: 12578987). ClinVar contains an entry for this variant (Variation ID: 9082). An algorithm developed to predict the effect of missense changes on protein structure and function (PolyPhen-2) suggests that this variant is likely to be disruptive. Experimental studies have shown that this missense change affects P2RY12 function (PMID: 12578987). In summary, the available evidence is currently insufficient to determine the role of this variant in disease. Therefore, it has been classified as a Variant of Uncertain Significance.

Mendelics
Classification: Uncertain significance. Last evaluated: 2022-05-04. Review status: criteria provided, single submitter. Criteria: Mendelics Assertion Criteria 2019. Collection method: clinical testing. Allele origin: germline.

OMIM
Classification: Pathogenic for BLEEDING DISORDER, PLATELET-TYPE, 8. Last evaluated: 2017-06-14. Review status: no assertion criteria provided. Collection method: literature only. Allele origin: germline. Not counted in ClinVar's aggregate classification.

Literature cited by the submitters: PubMed 12578987 (cited by Labcorp Genetics (formerly Invitae), Labcorp); PubMed 20966167 (cited by OMIM).